The following is an entry in ClinVar:

ClinVar aggregate classification (germline): Uncertain significance (1 of 4 stars; one submission).

Allele frequency attached by ClinVar (database versions not stated): ESP Exome Variant Server 0.00009.
gnomAD v4.1: 1 of 1,557,542 alleles (0.000064%); highest among the groups gnomAD compares: Non-Finnish European, 0.000086%; no homozygotes.

Submission:

Labcorp Genetics (formerly Invitae), Labcorp
Classification: Uncertain significance. Last evaluated: 2023-04-25. Review status: criteria provided, single submitter. Criteria: Invitae Variant Classification Sherloc (09022015). Collection method: clinical testing. Allele origin: germline.
Comment: In summary, the available evidence is currently insufficient to determine the role of this variant in disease. Therefore, it has been classified as a Variant of Uncertain Significance. Variants that disrupt the consensus splice site are a relatively common cause of aberrant splicing (PMID: 17576681, 9536098). Algorithms developed to predict the effect of sequence changes on RNA splicing suggest that this variant is not likely to affect RNA splicing. This variant has not been reported in the literature in individuals affected with COL4A2-related conditions. This variant is not present in population databases (gnomAD no frequency). This sequence change falls in intron 44 of the COL4A2 gene. It does not directly change the encoded amino acid sequence of the COL4A2 protein. It affects a nucleotide within the consensus splice site.

Literature cited by the submitters: PubMed 17576681; PubMed 9536098.

NM_001846.4(COL4A2):c.4285+4G>T

Genes: COL4A2 (collagen type IV alpha 2 chain; plus strand), COL4A2-AS1 (COL4A2 antisense RNA 1; minus strand). Cytogenetic location: 13q34.
Variant type: single nucleotide variant.
Coding change: c.4285+4G>T on transcript NM_001846.4 (MANE Select); 4 bases into the intron after coding-DNA position 4285, G replaced by T.
Molecular consequence: intron variant.
Genome position (GRCh38, 1-based): chr13:110,503,997, G>T. VCF-style: chr13-110503997-G-T. GRCh37 (hg19) VCF-style: chr13-111156344-G-T.
Identifiers: ClinVar variation 2721267 (VCV002721267.3), dbSNP rs372382465, ClinGen allele CA256307216.